The following is an entry in ClinVar:

NM_001127222.2(CACNA1A):c.1139G>A (p.Arg380Lys)

Gene: CACNA1A (calcium voltage-gated channel subunit alpha1 A; minus strand). Cytogenetic location: 19p13.13.
Variant type: single nucleotide variant.
Coding change: c.1139G>A on transcript NM_001127222.2 (MANE Select); coding-DNA position 1139, G replaced by A.
Protein change: p.Arg380Lys; replaces arginine 380 with lysine.
Molecular consequence: missense variant.
Genome position (GRCh38, 1-based): chr19:13,334,437, C>T on the plus strand (G>A on the coding strand, the complement: CACNA1A is on the minus strand). VCF-style: chr19-13334437-C-T. GRCh37 (hg19) VCF-style: chr19-13445251-C-T.
Other names: c.1139G>A, p.Arg380Lys (NM_000068.4, NM_001127221.2, NM_001174080.2 and 1 more transcripts); short protein forms R380K.
Identifiers: ClinVar variation 2133390 (VCV002133390.4), dbSNP rs2513049122, ClinGen allele CA404346523.

ClinVar aggregate classification (germline): Uncertain significance (1 of 4 stars; one submission).

Conditions:
Episodic ataxia type 2 (EA2). Also called: ACETAZOLAMIDE-RESPONSIVE HEREDITARY PAROXYSMAL CEREBELLAR ATAXIA; ATAXIA, EPISODIC, WITH NYSTAGMUS; ATAXIA, FAMILIAL PAROXYSMAL; CEREBELLAR ATAXIA, PAROXYSMAL, ACETAZOLAMIDE-RESPONSIVE; CEREBELLOPATHY, HEREDITARY PAROXYSMAL; EPISODIC ATAXIA, NYSTAGMUS-ASSOCIATED. Identifiers: Orphanet 97, MedGen C1720416, MONDO:0007163, OMIM 108500.
Developmental and epileptic encephalopathy, 42 (DEE42A). Also called: EPILEPTIC ENCEPHALOPATHY, EARLY INFANTILE, 42A; DEVELOPMENTAL AND EPILEPTIC ENCEPHALOPATHY 42A; Epileptic encephalopathy, early infantile, 42. Identifiers: MedGen C4310716, MONDO:0014917, OMIM 617106.

Submission:

Labcorp Genetics (formerly Invitae), Labcorp
Classification: Uncertain significance for Developmental and epileptic encephalopathy, 42; Episodic ataxia type 2. Last evaluated: 2022-05-04. Review status: criteria provided, single submitter. Criteria: Invitae Variant Classification Sherloc (09022015). Collection method: clinical testing. Allele origin: germline.
Comment: In summary, the available evidence is currently insufficient to determine the role of this variant in disease. Therefore, it has been classified as a Variant of Uncertain Significance. Advanced modeling of protein sequence and biophysical properties (such as structural, functional, and spatial information, amino acid conservation, physicochemical variation, residue mobility, and thermodynamic stability) performed at Invitae indicates that this missense variant is not expected to disrupt CACNA1A protein function. This variant has not been reported in the literature in individuals affected with CACNA1A-related conditions. This variant is not present in population databases (gnomAD no frequency). This sequence change replaces arginine, which is basic and polar, with lysine, which is basic and polar, at codon 380 of the CACNA1A protein (p.Arg380Lys).